The following is an entry in ClinVar:

ClinVar aggregate classification (germline): Likely benign. Review status: criteria provided, multiple submitters, no conflicts (2 of 4 stars). 2 submissions from 2 submitters: Likely benign (2). Last evaluated 2025-10-18.

Conditions:
Charcot-Marie-Tooth disease dominant intermediate B (CMTDIB). Also called: CHARCOT-MARIE-TOOTH NEUROPATHY, DOMINANT INTERMEDIATE B; Charcot-Marie-Tooth disease dominant intermediate 1; CMT DI1; Charcot-Marie-Tooth disease dominant intermediate I. Identifiers: Orphanet 100044, Orphanet 228179, MedGen C1847902, MONDO:0011674, OMIM 606482.

Allele frequency attached by ClinVar (database versions not stated): TOPMed 0.00001.
gnomAD v4.1: 8 of 1,614,018 alleles (0.0005%); highest among the groups gnomAD compares: East Asian, 0.0022%; no homozygotes.

Submissions (2):

Labcorp Genetics (formerly Invitae), Labcorp
Classification: Likely benign for Charcot-Marie-Tooth disease dominant intermediate B. Last evaluated: 2025-10-18. Review status: criteria provided, single submitter. Criteria: Invitae Variant Classification Sherloc (09022015). Collection method: clinical testing. Allele origin: germline.

GeneDx
Classification: Likely benign. Last evaluated: 2018-04-19. Review status: criteria provided, single submitter. Criteria: GeneDx Variant Classification (06012015). Collection method: clinical testing. Allele origin: germline. Affected: yes.
Comment: This variant is considered likely benign or benign based on one or more of the following criteria: it is a conservative change, it occurs at a poorly conserved position in the protein, it is predicted to be benign by multiple in silico algorithms, and/or has population frequency not consistent with disease.

NM_001005361.3(DNM2):c.235+12C>T

Gene: DNM2 (dynamin 2; plus strand). Cytogenetic location: 19p13.2.
Variant type: single nucleotide variant.
Coding change: c.235+12C>T on transcript NM_001005361.3 (MANE Select); 12 bases into the intron after coding-DNA position 235, C replaced by T.
Molecular consequence: intron variant.
Genome position (GRCh38, 1-based): chr19:10,759,823, C>T. VCF-style: chr19-10759823-C-T. GRCh37 (hg19) VCF-style: chr19-10870499-C-T.
Other names: c.235+12C>T (NM_001005360.3, NM_001190716.2, NM_004945.4 and 1 more transcripts).
Identifiers: ClinVar variation 682217 (VCV000682217.8), dbSNP rs147026993, ClinGen allele CA305258022.